The following is an entry in ClinVar:

NC_000017.10:g.(?_59760657)_(59761521_?)del

Gene: BRIP1 (BRCA1 interacting DNA helicase 1; minus strand). Cytogenetic location: 17q23.2.
Variant type: Deletion.
Identifiers: ClinVar variation 3242955 (VCV003242955.1).

ClinVar aggregate classification (germline): Pathogenic (1 of 4 stars; one submission).

Conditions:
Familial cancer of breast. Also called: BREAST CANCER, FAMILIAL; hereditary breast carcinoma; Hereditary breast cancer. Identifiers: Orphanet 227535, MedGen C0346153, MONDO:0016419, OMIM 114480. Disease mechanism: loss of function.
Fanconi anemia complementation group J. Also called: BRIP1-Related Fanconi Anemia. Identifiers: Orphanet 84, MedGen C1836860, MONDO:0012187, OMIM 609054.

Submission:

Labcorp Genetics (formerly Invitae), Labcorp
Classification: Pathogenic for Familial cancer of breast; Fanconi anemia complementation group J. Last evaluated: 2023-12-28. Review status: criteria provided, single submitter. Criteria: Invitae Variant Classification Sherloc (09022015). Collection method: clinical testing. Allele origin: unknown.
Comment: This variant is a gross deletion of the genomic region encompassing exon(s) 20 of the BRIP1 gene, which includes the termination codon. This deletion extends beyond the assayed region for this gene and therefore may encompass additional genes. While this deletion is not anticipated to lead to nonsense mediated decay, it is expected to alter mRNA translation or result in a truncated protein product. This variant has not been reported in the literature in individuals affected with BRIP1-related conditions. This variant disrupts the TopBP1-binding region of the BRIP1 protein, which plays a critical role in RPA chromatin loading and the activation of the replication checkpoint in response to DNA damage (PMID: 20159562, 21127055). While functional studies have not been performed to directly test the effect of this variant on BRIP1 protein function, this suggests that disruption of this region of the protein is causative of disease. For these reasons, this variant has been classified as Pathogenic.

Literature cited by the submitters: PubMed 20159562; PubMed 21127055.